The following is an entry in ClinVar:

ClinVar aggregate classification (germline): Benign/Likely benign. Review status: criteria provided, multiple submitters, no conflicts (2 of 4 stars). 8 submissions from 8 submitters: Benign (4); Likely benign (3). 1 of the submissions does not count toward it. Last evaluated 2026-01-27.

Conditions:
CLN8-related disorder. Also called: CLN8-related condition.
Inborn genetic diseases. Identifiers: MedGen C0950123, MeSH D030342.
Neuronal ceroid lipofuscinosis. Also called: Neuronal Ceroid Lipofuscinoses. Identifiers: Orphanet 216, Orphanet 79263, MedGen C0027877, MONDO:0016295. Disease mechanism: loss of function.

Allele frequency attached by ClinVar (database versions not stated): gnomAD exomes 0.00075; ExAC 0.00091; gnomAD 0.00223 and 0.00236; TOPMed 0.00245; ESP Exome Variant Server 0.00284; 1000 Genomes Project 0.00319; 1000 Genomes Project 30x 0.00375.
gnomAD v4.1: 768 of 1,614,204 alleles (0.048%); highest among the groups gnomAD compares: African/African-American, 0.8%; 3 homozygotes.

Submissions (8):

Labcorp Genetics (formerly Invitae), Labcorp
Classification: Likely benign for Neuronal ceroid lipofuscinosis. Last evaluated: 2026-01-27. Review status: criteria provided, single submitter. Criteria: Invitae Variant Classification Sherloc (09022015). Collection method: clinical testing. Allele origin: germline.

Blueprint Genetics
Classification: Likely benign. Last evaluated: 2024-11-26. Review status: criteria provided, single submitter. Criteria: ACMG Guidelines, 2015. Collection method: clinical testing. Allele origin: germline.

Athena Diagnostics
Classification: Benign. Last evaluated: 2018-08-08. Review status: criteria provided, single submitter. Criteria: Athena Diagnostics Criteria. Collection method: clinical testing. Allele origin: germline.

Ambry Genetics
Classification: Benign for Inborn genetic diseases. Last evaluated: 2016-08-08. Review status: criteria provided, single submitter. Criteria: Ambry Variant Classification Scheme 2023. Collection method: clinical testing. Allele origin: germline.

Eurofins Ntd Llc (ga)
Classification: Benign. Last evaluated: 2015-03-13. Review status: criteria provided, single submitter. Criteria: EGL Classification Definitions 2015. Collection method: clinical testing. Allele origin: germline. Observed: 1 variant allele, 1 heterozygote.

GeneDx
Classification: Benign. Last evaluated: 2014-02-05. Review status: criteria provided, single submitter. Criteria: GeneDx Variant Classification (06012015). Collection method: clinical testing. Allele origin: germline. Affected: yes.
Comment: This variant is considered likely benign or benign based on one or more of the following criteria: it is a conservative change, it occurs at a poorly conserved position in the protein, it is predicted to be benign by multiple in silico algorithms, and/or has population frequency not consistent with disease.

Breakthrough Genomics
Classification: Likely benign. Review status: criteria provided, single submitter. Criteria: ACMG Guidelines, 2015. Collection method: not provided. Allele origin: germline. Inheritance: Autosomal recessive inheritance. Affected: yes.

PreventionGenetics, part of Exact Sciences
Classification: Benign for CLN8-related condition. Last evaluated: 2020-12-16. Review status: no assertion criteria provided. Collection method: clinical testing. Allele origin: germline. Not counted in ClinVar's aggregate classification.
Comment: This variant is classified as benign based on ACMG/AMP sequence variant interpretation guidelines (Richards et al. 2015 PMID: 25741868, with internal and published modifications).

Literature cited by the submitters: PubMed 26657971 (cited by Athena Diagnostics).

NM_018941.4(CLN8):c.290G>A (p.Arg97His)

Gene: CLN8 (CLN8 transmembrane ER and ERGIC protein; plus strand). Cytogenetic location: 8p23.3.
Variant type: single nucleotide variant.
Coding change: c.290G>A on transcript NM_018941.4 (MANE Select); coding-DNA position 290, G replaced by A.
Protein change: p.Arg97His; replaces arginine 97 with histidine.
Molecular consequence: missense variant.
Genome position (GRCh38, 1-based): chr8:1,771,344, G>A. VCF-style: chr8-1771344-G-A. GRCh37 (hg19) VCF-style: chr8-1719510-G-A.
Other names: p.R97H:CGT>CAT; short protein forms R97H.
Identifiers: ClinVar variation 136807 (VCV000136807.24), dbSNP rs116605307, ClinGen allele CA302816.